The following is an entry in ClinVar:

ClinVar aggregate classification (germline): Conflicting classifications of pathogenicity. Review status: criteria provided, conflicting classifications (1 of 4 stars). 6 submissions from 6 submitters: Uncertain significance (5); Likely benign (1). Last evaluated 2026-04-01.

Conditions:
Collagen 6-related myopathy. Identifiers: MedGen CN117976, MONDO:0100225.
Bethlem myopathy 1A. Also called: Bethlem myopathy 1; Bethlem Muscular Dystrophy; MYOPATHY, BENIGN CONGENITAL, WITH CONTRACTURES. Identifiers: Orphanet 610, MedGen CN029274, MONDO:0024530, OMIM 158810.

Allele frequency attached by ClinVar (database versions not stated): gnomAD 0.00002 and 0.00003; gnomAD exomes 0.00005 and 0.00014; TOPMed 0.00006; ExAC 0.00015.
gnomAD v4.1: 81 of 1,611,212 alleles (0.005%); highest among the groups gnomAD compares: Middle Eastern, 0.049%; 1 homozygote.

Submissions (6):

CeGaT Center for Human Genetics Tuebingen
Classification: Uncertain significance. Last evaluated: 2026-04-01. Review status: criteria provided, single submitter. Criteria: CeGaT Center For Human Genetics Tuebingen Variant Classification Criteria Version 2. Collection method: clinical testing. Allele origin: germline. Affected: yes. Observed: 1 variant allele.

GeneDx
Classification: Uncertain significance. Last evaluated: 2026-03-20. Review status: criteria provided, single submitter. Criteria: GeneDx Variant Classification Process June 2021. Collection method: clinical testing. Allele origin: germline.
Comment: In silico analysis suggests that this missense variant does not alter protein structure/function; Has not been previously published as pathogenic or benign to our knowledge

Labcorp Genetics (formerly Invitae), Labcorp
Classification: Likely benign for Bethlem myopathy 1A. Last evaluated: 2025-09-24. Review status: criteria provided, single submitter. Criteria: Invitae Variant Classification Sherloc (09022015). Collection method: clinical testing. Allele origin: germline.

Revvity Omics, Revvity
Classification: Uncertain significance. Last evaluated: 2025-06-27. Review status: criteria provided, single submitter. Criteria: ACMG Guidelines, 2015. Collection method: clinical testing. Allele origin: germline.

Department of Pathology and Laboratory Medicine, Sinai Health System
Classification: Uncertain significance for collagen 6-related myopathy. Last evaluated: 2021-07-30. Review status: criteria provided, single submitter. Criteria: ACMG Guidelines, 2015. Collection method: research. Allele origin: germline.

Eurofins Ntd Llc (ga)
Classification: Uncertain significance. Last evaluated: 2017-11-14. Review status: criteria provided, single submitter. Criteria: EGL Classification Definitions 2015. Collection method: clinical testing. Allele origin: germline. Observed: 2 variant alleles, 2 heterozygotes.

NM_001849.4(COL6A2):c.2326G>A (p.Ala776Thr)

Gene: COL6A2 (collagen type VI alpha 2 chain; plus strand). Cytogenetic location: 21q22.3.
Variant type: single nucleotide variant.
Coding change: c.2326G>A on transcript NM_001849.4 (MANE Select); coding-DNA position 2326, G replaced by A.
Protein change: p.Ala776Thr; replaces alanine 776 with threonine.
Molecular consequence: missense variant.
Genome position (GRCh38, 1-based): chr21:46,126,141, G>A. VCF-style: chr21-46126141-G-A. GRCh37 (hg19) VCF-style: chr21-47546055-G-A.
Other names: c.2326G>A, p.Ala776Thr (NM_058174.3, NM_058175.3); short protein forms A776T.
Identifiers: ClinVar variation 286579 (VCV000286579.19), dbSNP rs759293889, ClinGen allele CA10072520.